The following is an entry in ClinVar:

NM_198053.3(CD247):c.37C>A (p.Gln13Lys)

Gene: CD247 (CD247 molecule; minus strand). Cytogenetic location: 1q24.2.
Variant type: single nucleotide variant.
Coding change: c.37C>A on transcript NM_198053.3 (MANE Select); coding-DNA position 37, C replaced by A.
Protein change: p.Gln13Lys; replaces glutamine 13 with lysine.
Molecular consequence: missense variant.
Genome position (GRCh38, 1-based): chr1:167,518,429, G>T on the plus strand (C>A on the coding strand, the complement: CD247 is on the minus strand). VCF-style: chr1-167518429-G-T. GRCh37 (hg19) VCF-style: chr1-167487666-G-T.
Other names: c.37C>A, p.Gln13Lys (NM_000734.4, NM_001378515.1, NM_001378516.1); short protein forms Q13K.
Identifiers: ClinVar variation 863731 (VCV000863731.4), dbSNP rs751300208, ClinGen allele CA32370772.
Genomic context (GRCh38, chr1:167,518,429, plus strand): 5'-GTTTCTAGAAGTTCCCTGCCGTCGACACGTCGGCCCTACCTGTAATCGGCAACTGTGCCT[G>T]CAGGATGGCCGCGGTGAAAAGCGCCTTCCACTTCATCTTGTCCTTTCCCTCAGAAAGAGG-3'
Protein context (NP_932170.1, residues 3-23): WKALFTAAIL[Gln13Lys]AQLPITEAQS

ClinVar aggregate classification (germline): Uncertain significance (1 of 4 stars; one submission).

Conditions:
Immunodeficiency 25. Also called: Immunodeficiency due to defect in cd3-zeta, somatic. Identifiers: MedGen C1857798, MONDO:0012426, OMIM 610163.

Allele frequency attached by ClinVar (database versions not stated): gnomAD exomes below 0.00001 and 0.00001.
gnomAD v4.1: 20 of 1,614,224 alleles (0.0012%); highest among the groups gnomAD compares: Non-Finnish European, 0.0017%; no homozygotes.

Submission:

Labcorp Genetics (formerly Invitae), Labcorp
Classification: Uncertain significance for Immunodeficiency 25. Last evaluated: 2022-07-12. Review status: criteria provided, single submitter. Criteria: Invitae Variant Classification Sherloc (09022015). Collection method: clinical testing. Allele origin: germline.
Comment: ClinVar contains an entry for this variant (Variation ID: 863731). In summary, the available evidence is currently insufficient to determine the role of this variant in disease. Therefore, it has been classified as a Variant of Uncertain Significance. Algorithms developed to predict the effect of missense changes on protein structure and function (SIFT, PolyPhen-2, Align-GVGD) all suggest that this variant is likely to be tolerated. This variant has not been reported in the literature in individuals affected with CD247-related conditions. This variant is present in population databases (rs751300208, gnomAD 0.0009%). This sequence change replaces glutamine, which is neutral and polar, with lysine, which is basic and polar, at codon 13 of the CD247 protein (p.Gln13Lys).